The following is an entry in ClinVar:

NM_001148.6(ANK2):c.4010A>G (p.His1337Arg)

Gene: ANK2 (ankyrin 2; plus strand). Cytogenetic location: 4q26.
Variant type: single nucleotide variant.
Coding change: c.4010A>G on transcript NM_001148.6 (MANE Select); coding-DNA position 4010, A replaced by G.
Protein change: p.His1337Arg; replaces histidine 1337 with arginine.
Molecular consequence: missense variant.
Genome position (GRCh38, 1-based): chr4:113,341,804, A>G. VCF-style: chr4-113341804-A-G. GRCh37 (hg19) VCF-style: chr4-114262960-A-G.
Other names: c.3983A>G, p.His1328Arg (NM_001127493.3); c.4022A>G, p.His1341Arg (NM_001354225.2); c.3911A>G, p.His1304Arg (NM_001354228.2, NM_001354258.2); c.3989A>G, p.His1330Arg (NM_001354230.2); c.4052A>G, p.His1351Arg (NM_001354231.2, NM_001354242.2); c.4046A>G, p.His1349Arg (NM_001354232.2); c.4007A>G, p.His1336Arg (NM_001354235.2, NM_001354246.2, NM_001354265.2); c.3908A>G, p.His1303Arg (NM_001354236.2); and 31 more; short protein forms H1176R, H1209R, H1237R, H1242R, H1250R, H1262R, H1266R, H1270R.
Identifiers: ClinVar variation 3220979 (VCV003220979.1), dbSNP rs2503828206, ClinGen allele CA357909661.

ClinVar aggregate classification (germline): Uncertain significance (1 of 4 stars; one submission).

Conditions:
Cardiovascular phenotype. Identifiers: MedGen CN230736.

Allele frequency attached by ClinVar (database versions not stated): gnomAD exomes below 0.00001.
gnomAD v4.1: 3 of 1,614,156 alleles (0.00019%); highest among the groups gnomAD compares: Non-Finnish European, 0.00025%; no homozygotes.

Submission:

Ambry Genetics
Classification: Uncertain significance for Cardiovascular phenotype. Last evaluated: 2023-12-20. Review status: criteria provided, single submitter. Criteria: Ambry Variant Classification Scheme 2023. Collection method: clinical testing. Allele origin: germline.
Comment: The p.H1337R variant (also known as c.4010A>G), located in coding exon 33 of the ANK2 gene, results from an A to G substitution at nucleotide position 4010. The histidine at codon 1337 is replaced by arginine, an amino acid with highly similar properties. This amino acid position is conserved. In addition, this alteration is predicted to be tolerated by in silico analysis. Since supporting evidence is limited at this time, the clinical significance of this alteration remains unclear.